The following is an entry in ClinVar:

ClinVar aggregate classification (germline): Uncertain significance (1 of 4 stars; one submission).

Submission:

Labcorp Genetics (formerly Invitae), Labcorp
Classification: Uncertain significance. Last evaluated: 2024-10-16. Review status: criteria provided, single submitter. Criteria: Invitae Variant Classification Sherloc (09022015). Collection method: clinical testing. Allele origin: germline.
Comment: This sequence change replaces aspartic acid, which is acidic and polar, with histidine, which is basic and polar, at codon 152 of the IFT74 protein (p.Asp152His). This variant is not present in population databases (gnomAD no frequency). This variant has not been reported in the literature in individuals affected with IFT74-related conditions. ClinVar contains an entry for this variant (Variation ID: 2027467). An algorithm developed to predict the effect of missense changes on protein structure and function (PolyPhen-2) suggests that this variant is likely to be disruptive. In summary, the available evidence is currently insufficient to determine the role of this variant in disease. Therefore, it has been classified as a Variant of Uncertain Significance.

NM_025103.4(IFT74):c.454G>C (p.Asp152His)

Gene: IFT74 (intraflagellar transport 74; plus strand). Cytogenetic location: 9p21.2.
Variant type: single nucleotide variant.
Coding change: c.454G>C on transcript NM_025103.4 (MANE Select); coding-DNA position 454, G replaced by C.
Protein change: p.Asp152His; replaces aspartic acid 152 with histidine.
Molecular consequence: missense variant.
Genome position (GRCh38, 1-based): chr9:26,984,548, G>C. VCF-style: chr9-26984548-G-C. GRCh37 (hg19) VCF-style: chr9-26984546-G-C.
Other names: c.454G>C, p.Asp152His (NM_001099222.3, NM_001099223.3, NM_001099224.3 and 1 more transcripts); short protein forms D152H.
Identifiers: ClinVar variation 2027467 (VCV002027467.4), dbSNP rs2489326462, ClinGen allele CA373127935.